The following is an entry in ClinVar:

NM_032043.3(BRIP1):c.1955G>T (p.Gly652Val)

Gene: BRIP1 (BRCA1 interacting DNA helicase 1; minus strand). Cytogenetic location: 17q23.2.
Variant type: single nucleotide variant.
Coding change: c.1955G>T on transcript NM_032043.3 (MANE Select); coding-DNA position 1955, G replaced by T.
Protein change: p.Gly652Val; replaces glycine 652 with valine.
Molecular consequence: missense variant.
Genome position (GRCh38, 1-based): chr17:61,776,543, C>A on the plus strand (G>T on the coding strand, the complement: BRIP1 is on the minus strand). VCF-style: chr17-61776543-C-A. GRCh37 (hg19) VCF-style: chr17-59853904-C-A.
Other names: short protein forms G652V.
Identifiers: ClinVar variation 3993171 (VCV003993171.1).

ClinVar aggregate classification (germline): Uncertain significance (1 of 4 stars; one submission).

Conditions:
Hereditary cancer-predisposing syndrome. Also called: Tumor predisposition; Hereditary neoplastic syndrome; Neoplastic Syndromes, Hereditary; Hereditary Cancer Syndrome. Identifiers: Orphanet 140162, MedGen C0027672, MeSH D009386, MONDO:0015356.

Submission:

Ambry Genetics
Classification: Uncertain significance for Hereditary cancer-predisposing syndrome. Last evaluated: 2025-06-13. Review status: criteria provided, single submitter. Criteria: Ambry Variant Classification Scheme 2023. Collection method: clinical testing. Allele origin: germline.
Comment: The p.G652V variant (also known as c.1955G>T), located in coding exon 13 of the BRIP1 gene, results from a G to T substitution at nucleotide position 1955. The glycine at codon 652 is replaced by valine, an amino acid with dissimilar properties. This amino acid position is conserved. In addition, this alteration is predicted to be deleterious by in silico analysis. Based on the available evidence, the clinical significance of this variant remains unclear.